The following is an entry in ClinVar:

NM_017999.5(RNF31):c.895A>T (p.Ser299Cys)

Gene: RNF31 (ring finger protein 31; plus strand). Cytogenetic location: 14q12.
Variant type: single nucleotide variant.
Coding change: c.895A>T on transcript NM_017999.5 (MANE Select); coding-DNA position 895, A replaced by T.
Protein change: p.Ser299Cys; replaces serine 299 with cysteine.
Molecular consequence: missense variant.
Genome position (GRCh38, 1-based): chr14:24,150,146, A>T. VCF-style: chr14-24150146-A-T. GRCh37 (hg19) VCF-style: chr14-24619355-A-T.
Other names: c.442A>T, p.Ser148Cys (NM_001310332.2); short protein forms S299C, S148C.
Identifiers: ClinVar variation 2848650 (VCV002848650.3), dbSNP rs2501998161, ClinGen allele CA389291386.

ClinVar aggregate classification (germline): Uncertain significance (1 of 4 stars; one submission).

Submission:

Labcorp Genetics (formerly Invitae), Labcorp
Classification: Uncertain significance. Last evaluated: 2023-04-14. Review status: criteria provided, single submitter. Criteria: Invitae Variant Classification Sherloc (09022015). Collection method: clinical testing. Allele origin: germline.
Comment: This variant is not present in population databases (gnomAD no frequency). This sequence change replaces serine, which is neutral and polar, with cysteine, which is neutral and slightly polar, at codon 299 of the RNF31 protein (p.Ser299Cys). In summary, the available evidence is currently insufficient to determine the role of this variant in disease. Therefore, it has been classified as a Variant of Uncertain Significance. An algorithm developed to predict the effect of missense changes on protein structure and function (PolyPhen-2) suggests that this variant is likely to be disruptive. This variant has not been reported in the literature in individuals affected with RNF31-related conditions.